The following is an entry in ClinVar:

ClinVar aggregate classification (germline): Benign/Likely benign. Review status: criteria provided, multiple submitters, no conflicts (2 of 4 stars). 10 submissions from 6 submitters: Benign (6); Likely benign (3). 1 of the submissions does not count toward it. Last evaluated 2025-12-24.

Conditions:
FGFR2-related craniosynostosis. Identifiers: MedGen CN231480.
FGFR2-related disorder. Identifiers: MedGen CN380096.
Craniosynostosis syndrome. Also called: Craniosynostosis. Identifiers: Orphanet 1531, MedGen C0010278, MeSH D003398, MONDO:0015469, HP:0001363.
Beare-Stevenson cutis gyrata syndrome (BSTVS). Identifiers: Orphanet 1555, MedGen C1852406, MONDO:0007412, OMIM 123790.
Crouzon syndrome. Also called: CRANIOFACIAL DYSOSTOSIS, TYPE I; Craniofacial dysostosis; Craniofacial dysostosis type 1; Crouzon craniofacial dysostosis; Crouzon disease. Identifiers: Orphanet 207, MedGen C0010273, MeSH D003394, MONDO:0007405, OMIM 123500, HP:0004439.
Isolated Coronal Synostosis. Identifiers: MedGen CN043619.
Saethre-Chotzen syndrome (SCS). Also called: ACROCEPHALY, SKULL ASYMMETRY, AND MILD SYNDACTYLY; ACS III; CHOTZEN SYNDROME. Identifiers: Orphanet 794, MedGen C0175699, MONDO:0007042, OMIM 101400.

Allele frequency attached by ClinVar (database versions not stated): gnomAD exomes 0.00016 and 0.00037; ExAC 0.00050; 1000 Genomes Project 0.00140; 1000 Genomes Project 30x 0.00141; gnomAD 0.00173 and 0.00187; TOPMed 0.00197; ESP Exome Variant Server 0.00231.
gnomAD v4.1: 497 of 1,614,060 alleles (0.031%); highest among the groups gnomAD compares: African/African-American, 0.61%; 3 homozygotes.

Submissions (10):

Labcorp Genetics (formerly Invitae), Labcorp
Classification: Benign for FGFR2-related craniosynostosis. Last evaluated: 2025-12-24. Review status: criteria provided, single submitter. Criteria: Invitae Variant Classification Sherloc (09022015). Collection method: clinical testing. Allele origin: germline.

Blueprint Genetics
Classification: Likely benign. Last evaluated: 2024-08-21. Review status: criteria provided, single submitter. Criteria: ACMG Guidelines, 2015. Collection method: clinical testing. Allele origin: germline.

GeneDx
Classification: Benign. Last evaluated: 2019-03-14. Review status: criteria provided, single submitter. Criteria: GeneDx Variant Classification Process June 2021. Collection method: clinical testing. Allele origin: germline. Affected: yes.

Illumina Laboratory Services, Illumina
Classification: Benign for Craniosynostosis. Last evaluated: 2018-01-13. Review status: criteria provided, single submitter. Criteria: ICSL Variant Classification Criteria 13 December 2019. Collection method: clinical testing. Allele origin: germline.
Comment: This variant was observed in the ICSL laboratory as part of a predisposition screen in an ostensibly healthy population. It had not been previously curated by ICSL or reported in the Human Gene Mutation Database (HGMD: prior to June 1st, 2018), and was therefore a candidate for classification through an automated scoring system. Utilizing variant allele frequency, disease prevalence and penetrance estimates, and inheritance mode, an automated score was calculated to assess if this variant is too frequent to cause the disease. Based on the score and internal cut-off values, a variant classified as benign is not then subjected to further curation. The score for this variant resulted in a classification of benign for this disease.

Illumina Laboratory Services, Illumina
Classification: Benign for Beare-Stevenson cutis gyrata syndrome. Last evaluated: 2018-01-13. Review status: criteria provided, single submitter. Criteria: ICSL Variant Classification Criteria 13 December 2019. Collection method: clinical testing. Allele origin: germline.
Comment: the same text as in the submission from Illumina Laboratory Services, Illumina above.

Illumina Laboratory Services, Illumina
Classification: Benign for Crouzon syndrome. Last evaluated: 2018-01-13. Review status: criteria provided, single submitter. Criteria: ICSL Variant Classification Criteria 13 December 2019. Collection method: clinical testing. Allele origin: germline.
Comment: the same text as in the submission from Illumina Laboratory Services, Illumina above.

Illumina Laboratory Services, Illumina
Classification: Likely benign for Isolated coronal synostosis. Last evaluated: 2018-01-13. Review status: criteria provided, single submitter. Criteria: ICSL Variant Classification Criteria 13 December 2019. Collection method: clinical testing. Allele origin: germline.
Comment: This variant was observed in the ICSL laboratory as part of a predisposition screen in an ostensibly healthy population. It had not been previously curated by ICSL or reported in the Human Gene Mutation Database (HGMD: prior to June 1st, 2018), and was therefore a candidate for classification through an automated scoring system. Utilizing variant allele frequency, disease prevalence and penetrance estimates, and inheritance mode, an automated score was calculated to assess if this variant is too frequent to cause the disease. Based on the score and internal cut-off values, a variant classified as likely benign is not then subjected to further curation. The score for this variant resulted in a classification of likely benign for this disease.

Illumina Laboratory Services, Illumina
Classification: Benign for Saethre-Chotzen syndrome. Last evaluated: 2018-01-13. Review status: criteria provided, single submitter. Criteria: ICSL Variant Classification Criteria 13 December 2019. Collection method: clinical testing. Allele origin: germline.
Comment: the same text as in the submission from Illumina Laboratory Services, Illumina above.

Breakthrough Genomics
Classification: Likely benign. Review status: criteria provided, single submitter. Criteria: ACMG Guidelines, 2015. Collection method: not provided. Allele origin: germline. Inheritance: Autosomal dominant inheritance. Affected: yes.

PreventionGenetics, part of Exact Sciences
Classification: Likely benign for FGFR2-related condition. Last evaluated: 2022-11-16. Review status: no assertion criteria provided. Collection method: clinical testing. Allele origin: germline. Not counted in ClinVar's aggregate classification.
Comment: This variant is classified as likely benign based on ACMG/AMP sequence variant interpretation guidelines (Richards et al. 2015 PMID: 25741868, with internal and published modifications).

NM_000141.5(FGFR2):c.2001C>G (p.Val667=)

Gene: FGFR2 (fibroblast growth factor receptor 2; minus strand). Cytogenetic location: 10q26.13.
Variant type: single nucleotide variant.
Coding change: c.2001C>G on transcript NM_000141.5 (MANE Select); coding-DNA position 2001, C replaced by G.
Protein change: p.Val667=; no amino-acid change (valine 667 retained).
Molecular consequence: synonymous variant. On other transcripts: non-coding transcript variant (1).
Genome position (GRCh38, 1-based): chr10:121,487,410, G>C on the plus strand (C>G on the coding strand, the complement: FGFR2 is on the minus strand). VCF-style: chr10-121487410-G-C. GRCh37 (hg19) VCF-style: chr10-123246924-G-C.
Other names: c.2004C>G, p.Val668= (NM_001144913.1, NM_022970.4); c.1665C>G, p.Val555= (NM_001144914.1); c.1734C>G, p.Val578= (NM_001144915.2, NM_023029.3); c.1656C>G, p.Val552= (NM_001144916.2); c.1653C>G, p.Val551= (NM_001144917.2); c.1650C>G, p.Val550= (NM_001144918.2); c.1737C>G, p.Val579= (NM_001144919.2); c.1317C>G, p.Val439= (NM_001320654.2); and 1 more.
Identifiers: ClinVar variation 298997 (VCV000298997.20), dbSNP rs61731218, ClinGen allele CA5720583.